The following is an entry in ClinVar:

ClinVar aggregate classification (germline): Conflicting classifications of pathogenicity. Review status: criteria provided, conflicting classifications (1 of 4 stars). 6 submissions from 6 submitters: Uncertain significance (4); Likely benign (2). Last evaluated 2025-05-07.

Conditions:
Inborn genetic diseases. Identifiers: MedGen C0950123, MeSH D030342.
Neurodevelopmental disorder with or without hyperkinetic movements and seizures, autosomal dominant. Also called: Intellectual disability, autosomal dominant 8. Identifiers: MedGen C3280282, MONDO:0013655, OMIM 614254.
GRIN1-related disorder. Also called: GRIN1-related condition.

Allele frequency attached by ClinVar (database versions not stated): gnomAD exomes 0.00006 and 0.00013; ExAC 0.00007; TOPMed 0.00008; gnomAD 0.00009 and 0.00010; ESP Exome Variant Server 0.00015.
gnomAD v4.1: 204 of 1,613,602 alleles (0.013%); highest among the groups gnomAD compares: Non-Finnish European, 0.016%; no homozygotes.

Submissions (6):

PreventionGenetics, part of Exact Sciences
Classification: Uncertain significance for GRIN1-related condition. Last evaluated: 2025-05-07. Review status: criteria provided, single submitter. Criteria: ACMG Guidelines, 2015. Collection method: clinical testing. Allele origin: germline.
Comment: The GRIN1 c.610G>A variant is predicted to result in the amino acid substitution p.Val204Met. To our knowledge, this variant has not been reported in the literature. This variant is reported in 0.013% of alleles in individuals of European (Non-Finnish) descent in gnomAD. At this time, the clinical significance of this variant is uncertain due to the absence of conclusive functional and genetic evidence.

Labcorp Genetics (formerly Invitae), Labcorp
Classification: Likely benign for Neurodevelopmental disorder with or without hyperkinetic movements and seizures, autosomal dominant. Last evaluated: 2025-04-20. Review status: criteria provided, single submitter. Criteria: Invitae Variant Classification Sherloc (09022015). Collection method: clinical testing. Allele origin: germline.

CeGaT Center for Human Genetics Tuebingen
Classification: Uncertain significance. Last evaluated: 2024-10-01. Review status: criteria provided, single submitter. Criteria: CeGaT Center For Human Genetics Tuebingen Variant Classification Criteria Version 2. Collection method: clinical testing. Allele origin: germline. Affected: yes. Observed: 3 variant alleles.
Comment: GRIN1: PM2, PP2

Ambry Genetics
Classification: Uncertain significance for Inborn genetic diseases. Last evaluated: 2021-07-13. Review status: criteria provided, single submitter. Criteria: Ambry Variant Classification Scheme 2023. Collection method: clinical testing. Allele origin: germline.
Comment: Unlikely to be causative of GRIN1-related neurodevelopmental disorder (AD) Based on insufficient or conflicting evidence, the clinical significance of this alteration remains unclear.

GeneDx
Classification: Likely benign. Last evaluated: 2020-12-11. Review status: criteria provided, single submitter. Criteria: GeneDx Variant Classification Process June 2021. Collection method: clinical testing. Allele origin: germline. Affected: yes.

Revvity Omics, Revvity
Classification: Uncertain significance. Last evaluated: 2020-12-10. Review status: criteria provided, single submitter. Criteria: ACMG Guidelines, 2015. Collection method: clinical testing. Allele origin: germline.

NM_007327.4(GRIN1):c.610G>A (p.Val204Met)

Gene: GRIN1 (glutamate ionotropic receptor NMDA type subunit 1; plus strand). Cytogenetic location: 9q34.3.
Variant type: single nucleotide variant.
Coding change: c.610G>A on transcript NM_007327.4 (MANE Select); coding-DNA position 610, G replaced by A.
Protein change: p.Val204Met; replaces valine 204 with methionine.
Molecular consequence: missense variant.
Genome position (GRCh38, 1-based): chr9:137,149,048, G>A. VCF-style: chr9-137149048-G-A. GRCh37 (hg19) VCF-style: chr9-140043500-G-A.
Other names: c.610G>A, p.Val204Met (NM_000832.7, NM_021569.4); c.673G>A, p.Val225Met (NM_001185090.2, NM_001185091.2); short protein forms V204M, V225M.
Identifiers: ClinVar variation 851977 (VCV000851977.39), dbSNP rs140422926, ClinGen allele CA5360716.